The following is an entry in ClinVar:

ClinVar aggregate classification (germline): Conflicting classifications of pathogenicity. Review status: criteria provided, conflicting classifications (1 of 4 stars). 2 submissions from 1 submitter: Uncertain significance (1); Benign (1). Last evaluated 2018-01-13.

Conditions:
Autosomal dominant nonsyndromic hearing loss 17. Also called: Autosomal dominant nonsyndromic deafness 17; Deafness, autosomal dominant 17. Identifiers: Orphanet 90635, MedGen C1863659, MONDO:0011350, OMIM 603622.
MYH9-related disorder. Identifiers: MedGen C1854520.

Allele frequency attached by ClinVar (database versions not stated): gnomAD exomes 0.00022; gnomAD 0.00023; TOPMed 0.00033; 1000 Genomes Project 30x 0.00062; 1000 Genomes Project 0.00080.
gnomAD v4.1: 195 of 721,476 alleles (0.027%); highest among the groups gnomAD compares: East Asian, 0.34%; no homozygotes.

Submissions (2):

Illumina Laboratory Services, Illumina
Classification: Benign for MYH9-related disorder. Last evaluated: 2018-01-13. Review status: criteria provided, single submitter. Criteria: ICSL Variant Classification Criteria 13 December 2019. Collection method: clinical testing. Allele origin: germline.
Comment: This variant was observed in the ICSL laboratory as part of a predisposition screen in an ostensibly healthy population. It had not been previously curated by ICSL or reported in the Human Gene Mutation Database (HGMD: prior to June 1st, 2018), and was therefore a candidate for classification through an automated scoring system. Utilizing variant allele frequency, disease prevalence and penetrance estimates, and inheritance mode, an automated score was calculated to assess if this variant is too frequent to cause the disease. Based on the score and internal cut-off values, a variant classified as benign is not then subjected to further curation. The score for this variant resulted in a classification of benign for this disease.

Illumina Laboratory Services, Illumina
Classification: Uncertain significance for Autosomal dominant nonsyndromic hearing loss 17. Last evaluated: 2018-01-13. Review status: criteria provided, single submitter. Criteria: ICSL Variant Classification Criteria 13 December 2019. Collection method: clinical testing. Allele origin: germline.

NM_002473.6(MYH9):c.*193C>T

Gene: MYH9 (myosin heavy chain 9; minus strand). Cytogenetic location: 22q12.3.
Variant type: single nucleotide variant.
Coding change: c.*193C>T on transcript NM_002473.6 (MANE Select); 193 bases downstream of the stop codon, C replaced by T.
Molecular consequence: 3 prime UTR variant.
Genome position (GRCh38, 1-based): chr22:36,282,475, G>A on the plus strand (C>T on the coding strand, the complement: MYH9 is on the minus strand). VCF-style: chr22-36282475-G-A. GRCh37 (hg19) VCF-style: chr22-36678521-G-A.
Identifiers: ClinVar variation 341484 (VCV000341484.5), dbSNP rs181364853, ClinGen allele CA10653456.
Genomic context (GRCh38, chr22:36,282,475, plus strand): 5'-GCCTGGGCCCGGGCCCTGTCTCTTTGGTATCAGATTCTGAGCAGGGGAGGGAGCTGGAAG[G>A]GGATGCAGCAGAGGAAGCCAAATGCCCTCAACAACACCTGGAGGGAAACGGGATGGGGGG-3'